The following is an entry in ClinVar:

ClinVar aggregate classification (germline): Likely benign (1 of 4 stars; one submission).

Submission:

CeGaT Center for Human Genetics Tuebingen
Classification: Likely benign. Last evaluated: 2024-12-01. Review status: criteria provided, single submitter. Criteria: CeGaT Center For Human Genetics Tuebingen Variant Classification Criteria Version 2. Collection method: clinical testing. Allele origin: germline. Affected: yes. Observed: 1 variant allele.
Comment: POU3F3: BP3

NM_006236.3(POU3F3):c.808CAC[10] (p.His277_Ala278insHisHis)

Gene: POU3F3 (POU class 3 homeobox 3; plus strand). Cytogenetic location: 2q12.1.
Variant type: Microsatellite.
Coding change: c.808CAC[10] on transcript NM_006236.3 (MANE Select); ten copies in a row of the 3-base unit CAC starting at c.808; the reference has eight copies in a row; two copies, 6 bases duplicated.
Protein change: p.His277_Ala278insHisHis.
Genome position (GRCh38, 1-based): chr2:104,856,336-104,856,341, CACCAC duplicated; duplicating any 6 consecutive bases within chr2:104,856,318-104,856,341 gives the same sequence; the position shown is the placement nearest the transcript's 3' end. VCF-style (leftmost placement, unchanged base first): chr2-104856317-G-GCACCAC. GRCh37 (hg19) VCF-style: chr2-105472775-G-GCACCAC.
Identifiers: ClinVar variation 3771726 (VCV003771726.13).